The following is an entry in ClinVar:

ClinVar aggregate classification (germline): Uncertain significance (1 of 4 stars; one submission).

gnomAD v4.1: 25 of 1,611,688 alleles (0.0016%); highest among the groups gnomAD compares: African/African-American, 0.011%; no homozygotes.

Submission:

Labcorp Genetics (formerly Invitae), Labcorp
Classification: Uncertain significance. Last evaluated: 2024-05-13. Review status: criteria provided, single submitter. Criteria: Invitae Variant Classification Sherloc (09022015). Collection method: clinical testing. Allele origin: germline.
Comment: This sequence change replaces leucine, which is neutral and non-polar, with isoleucine, which is neutral and non-polar, at codon 1601 of the MYO7A protein (p.Leu1601Ile). The frequency data for this variant in the population databases is considered unreliable, as metrics indicate poor data quality at this position in the gnomAD database. This variant has not been reported in the literature in individuals affected with MYO7A-related conditions. Advanced modeling of protein sequence and biophysical properties (such as structural, functional, and spatial information, amino acid conservation, physicochemical variation, residue mobility, and thermodynamic stability) has been performed at Invitae for this missense variant, however the output from this modeling did not meet the statistical confidence thresholds required to predict the impact of this variant on MYO7A protein function. In summary, the available evidence is currently insufficient to determine the role of this variant in disease. Therefore, it has been classified as a Variant of Uncertain Significance.

NM_000260.4(MYO7A):c.4801C>A (p.Leu1601Ile)

Gene: MYO7A (myosin VIIA; plus strand). Cytogenetic location: 11q13.5.
Variant type: single nucleotide variant.
Coding change: c.4801C>A on transcript NM_000260.4 (MANE Select); coding-DNA position 4801, C replaced by A.
Protein change: p.Leu1601Ile; replaces leucine 1601 with isoleucine.
Molecular consequence: missense variant.
Genome position (GRCh38, 1-based): chr11:77,199,767, C>A. VCF-style: chr11-77199767-C-A. GRCh37 (hg19) VCF-style: chr11-76910812-C-A.
Other names: c.4687C>A, p.Leu1563Ile (NM_001127180.2); c.4654C>A, p.Leu1552Ile (NM_001369365.1); short protein forms L1563I, L1552I, L1601I.
Identifiers: ClinVar variation 3704977 (VCV003704977.2).